The following is an entry in ClinVar:

ClinVar aggregate classification (germline): Pathogenic (1 of 4 stars; one submission).

Conditions:
Retinitis pigmentosa 74 (RP74). Identifiers: Orphanet 791, MedGen C4225281, MONDO:0014692, OMIM 616562.
Bardet-Biedl syndrome 2 (BBS2). Identifiers: Orphanet 110, MedGen C2936863, MONDO:0014432, OMIM 615981.

Submission:

Juno Genomics, Hangzhou Juno Genomics, Inc
Classification: Pathogenic for Bardet-Biedl syndrome 2; Retinitis pigmentosa 74. Review status: criteria provided, single submitter. Criteria: ACMG Guidelines, 2015. Collection method: clinical testing. Allele origin: germline. Affected: yes.
Comment: Absent from controls (or at extremely low frequency if recessive) in Genome Aggregation Database, Exome Sequencing Project, 1000 Genomes Project, or Exome Aggregation Consortium.;Null variant in a gene where loss of function (LOF) is a known mechanism of disease.;For recessive disorders, detected in trans with a pathogenic variant.

NM_031885.5(BBS2):c.1059dup (p.Asn354Ter)

Gene: BBS2 (Bardet-Biedl syndrome 2; minus strand). Cytogenetic location: 16q13.
Variant type: Duplication.
Coding change: c.1059dup on transcript NM_031885.5 (MANE Select); coding-DNA position 1059, one base duplicated (T; older notation c.1059dupT).
Protein change: p.Asn354Ter; replaces asparagine 354 with a stop codon.
Molecular consequence: nonsense. On other transcripts: non-coding transcript variant (5).
Genome position (GRCh38, 1-based): chr16:56,502,338, A duplicated on the plus strand (T on the coding strand, the reverse complement: BBS2 is on the minus strand). VCF-style (leftmost placement, unchanged base first): chr16-56502337-T-TA. GRCh37 (hg19) VCF-style: chr16-56536249-T-TA.
Other names: c.1059dup, p.Asn354Ter (NM_001377456.1); short protein forms N354*.
Identifiers: ClinVar variation 3382258 (VCV003382258.2).
Genomic context (GRCh38, chr16:56,502,337, plus strand): 5'-TCAGCCTCCATTACCTGGTCACATTAGGACCTACACCTACCTTGGCATTTTCCTCATAGT[T>TA]ACGGAGTTCCAGCAACAGATTCTGCTTCTTCTGACTCAGCTCTCGGATCAGGTCCTGCTC-3'